The following is an entry in ClinVar:

NM_002474.3(MYH11):c.61A>C (p.Ile21Leu)

Gene: MYH11 (myosin heavy chain 11; minus strand). Cytogenetic location: 16p13.11.
Variant type: single nucleotide variant.
Coding change: c.61A>C on transcript NM_002474.3 (MANE Select); coding-DNA position 61, A replaced by C.
Protein change: p.Ile21Leu; replaces isoleucine 21 with leucine.
Molecular consequence: missense variant.
Genome position (GRCh38, 1-based): chr16:15,838,192, T>G on the plus strand (A>C on the coding strand, the complement: MYH11 is on the minus strand). VCF-style: chr16-15838192-T-G. GRCh37 (hg19) VCF-style: chr16-15932049-T-G.
Other names: c.61A>C, p.Ile21Leu (NM_001040113.2, NM_001040114.2, NM_022844.3); short protein forms I21L.
Identifiers: ClinVar variation 5025082 (VCV005025082.1).

ClinVar aggregate classification (germline): Uncertain significance (1 of 4 stars; one submission).

Conditions:
Familial thoracic aortic aneurysm and aortic dissection (TAAD). Also called: Thoracic aortic aneurysms and dissections. Identifiers: Orphanet 91387, MedGen C4707243, MONDO:0019625.

Submission:

Ambry Genetics
Classification: Uncertain significance for Familial thoracic aortic aneurysm and aortic dissection. Last evaluated: 2026-07-07. Review status: criteria provided, single submitter. Criteria: Ambry Variant Classification Scheme 2023. Collection method: clinical testing. Allele origin: germline.
Comment: The p.I21L variant (also known as c.61A>C), located in coding exon 1 of the MYH11 gene, results from an A to C substitution at nucleotide position 61. The isoleucine at codon 21 is replaced by leucine, an amino acid with highly similar properties. This amino acid position is conserved. In addition, this alteration is predicted to be tolerated by in silico analysis. Based on the available evidence, the clinical significance of this variant remains unclear.